The following is an entry in ClinVar:

NM_001040108.2(MLH3):c.629G>C (p.Arg210Pro)

Gene: MLH3 (mutL homolog 3; minus strand). Cytogenetic location: 14q24.3.
Variant type: single nucleotide variant.
Coding change: c.629G>C on transcript NM_001040108.2 (MANE Select); coding-DNA position 629, G replaced by C.
Protein change: p.Arg210Pro; replaces arginine 210 with proline.
Molecular consequence: missense variant.
Genome position (GRCh38, 1-based): chr14:75,049,027, C>G on the plus strand (G>C on the coding strand, the complement: MLH3 is on the minus strand). VCF-style: chr14-75049027-C-G. GRCh37 (hg19) VCF-style: chr14-75515730-C-G.
Other names: c.629G>C, p.Arg210Pro (NM_014381.3); short protein forms R210P.
Identifiers: ClinVar variation 1752696 (VCV001752696.4), dbSNP rs143631202, ClinGen allele CA390449747.

ClinVar aggregate classification (germline): Uncertain significance. Review status: criteria provided, multiple submitters, no conflicts (2 of 4 stars). 2 submissions from 2 submitters: Uncertain significance (2). Last evaluated 2026-08-13.

Conditions:
MLH3-related disorder. Also called: MLH3-related condition.

Submissions (2):

PreventionGenetics, part of Exact Sciences
Classification: Uncertain significance for MLH3-related condition. Last evaluated: 2026-08-13. Review status: criteria provided, single submitter. Criteria: ACMG Guidelines, 2015. Collection method: clinical testing. Allele origin: germline.
Comment: The MLH3 c.629G>C variant is predicted to result in the amino acid substitution p.Arg210Pro. To our knowledge, this variant has not been reported in the literature. This variant is reported in 0.0065% of alleles in individuals of European (Non-Finnish) descent in gnomAD. This variant is interpreted as uncertain in ClinVar (Variation ID: 1752696). At this time, the clinical significance of this variant is uncertain due to the absence of conclusive functional and genetic evidence.

Ambry Genetics
Classification: Uncertain significance. Last evaluated: 2025-12-07. Review status: criteria provided, single submitter. Criteria: Ambry Variant Classification Scheme 2023. Collection method: clinical testing. Allele origin: germline.
Comment: The p.R210P variant (also known as c.629G>C), located in coding exon 1 of the MLH3 gene, results from a G to C substitution at nucleotide position 629. The arginine at codon 210 is replaced by proline, an amino acid with dissimilar properties. This amino acid position is conserved. In addition, this alteration is predicted to be deleterious by in silico analysis. Since supporting evidence is limited at this time, the clinical significance of this alteration remains unclear.